The following is an entry in ClinVar:

NM_007294.4(BRCA1):c.*106C>T

Gene: BRCA1 (BRCA1 DNA repair associated; minus strand). Cytogenetic location: 17q21.31.
Variant type: single nucleotide variant.
Coding change: c.*106C>T on transcript NM_007294.4 (MANE Select); 106 bases downstream of the stop codon, C replaced by T.
Molecular consequence: 3 prime UTR variant. On other transcripts: non-coding transcript variant (1).
Genome position (GRCh38, 1-based): chr17:43,045,572, G>A on the plus strand (C>T on the coding strand, the complement: BRCA1 is on the minus strand). VCF-style: chr17-43045572-G-A. GRCh37 (hg19) VCF-style: chr17-41197589-G-A.
Other names: c.*106C>T (NM_001407571.1, NM_001407581.1, NM_001407582.1 and 348 more transcripts); c.*212C>T (NM_001407854.1, NM_001407858.1, NM_001407859.1 and 14 more transcripts).
Identifiers: ClinVar variation 1332042 (VCV001332042.6), dbSNP rs189442183, ClinGen allele CA052419.

ClinVar aggregate classification (germline): Benign/Likely benign. Review status: criteria provided, multiple submitters, no conflicts (2 of 4 stars). 3 submissions from 3 submitters: Benign (1); Likely benign (1). 1 of the submissions does not count toward it. Last evaluated 2021-06-02.

Conditions:
Hereditary cancer-predisposing syndrome. Also called: Neoplastic Syndromes, Hereditary; Tumor predisposition; Hereditary neoplastic syndrome; Hereditary Cancer Syndrome. Identifiers: Orphanet 140162, MedGen C0027672, MeSH D009386, MONDO:0015356.
BRCA1-related disorder. Also called: BRCA1-related condition.

Allele frequency attached by ClinVar (database versions not stated): 1000 Genomes Project 0.00020; gnomAD 0.00021; TOPMed 0.00023; 1000 Genomes Project 30x 0.00031.
gnomAD v4.1: 68 of 1,489,768 alleles (0.0046%); highest among the groups gnomAD compares: African/African-American, 0.075%; no homozygotes.

Submissions (3):

Color Diagnostics, LLC DBA Color Health
Classification: Benign for Hereditary cancer-predisposing syndrome. Last evaluated: 2021-06-02. Review status: criteria provided, single submitter. Criteria: ACMG Guidelines, 2015. Collection method: clinical testing. Allele origin: germline.

Blueprint Genetics
Classification: Likely benign. Last evaluated: 2020-12-03. Review status: criteria provided, single submitter. Criteria: ACMG Guidelines, 2015. Collection method: clinical testing. Allele origin: germline.

PreventionGenetics, part of Exact Sciences
Classification: Likely benign for BRCA1-related condition. Last evaluated: 2019-03-01. Review status: no assertion criteria provided. Collection method: clinical testing. Allele origin: germline. Not counted in ClinVar's aggregate classification.
Comment: This variant is classified as likely benign based on ACMG/AMP sequence variant interpretation guidelines (Richards et al. 2015 PMID: 25741868, with internal and published modifications).